The following is an entry in ClinVar:

ClinVar aggregate classification (germline): Uncertain significance (1 of 4 stars; one submission).

Allele frequency attached by ClinVar (database versions not stated): gnomAD 0.00001; gnomAD exomes 0.00002; TOPMed 0.00002; ExAC 0.00002.
gnomAD v4.1: 29 of 1,613,862 alleles (0.0018%); highest among the groups gnomAD compares: East Asian, 0.0022%; no homozygotes.

Submission:

Labcorp Genetics (formerly Invitae), Labcorp
Classification: Uncertain significance. Last evaluated: 2026-01-19. Review status: criteria provided, single submitter. Criteria: Invitae Variant Classification Sherloc (09022015). Collection method: clinical testing. Allele origin: germline.
Comment: This sequence change replaces glutamic acid, which is acidic and polar, with lysine, which is basic and polar, at codon 884 of the NFKB1 protein (p.Glu884Lys). This variant is present in population databases (rs748249744, gnomAD 0.006%). This missense change has been observed in individual(s) with NFKB1-related conditions (PMID: 32278790). ClinVar contains an entry for this variant (Variation ID: 1962364). Invitae Evidence Modeling of protein sequence and biophysical properties (such as structural, functional, and spatial information, amino acid conservation, physicochemical variation, residue mobility, and thermodynamic stability) indicates that this missense variant is not expected to disrupt NFKB1 protein function with a negative predictive value of 80%. In summary, the available evidence is currently insufficient to determine the role of this variant in disease. Therefore, it has been classified as a Variant of Uncertain Significance.

Literature cited by the submitters: PubMed 32278790.

NM_003998.4(NFKB1):c.2650G>A (p.Glu884Lys)

Gene: NFKB1 (nuclear factor kappa B subunit 1; plus strand). Cytogenetic location: 4q24.
Variant type: single nucleotide variant.
Coding change: c.2650G>A on transcript NM_003998.4 (MANE Select); coding-DNA position 2650, G replaced by A.
Protein change: p.Glu884Lys; replaces glutamic acid 884 with lysine.
Molecular consequence: missense variant.
Genome position (GRCh38, 1-based): chr4:102,613,482, G>A. VCF-style: chr4-102613482-G-A. GRCh37 (hg19) VCF-style: chr4-103534639-G-A.
Other names: c.2647G>A, p.Glu883Lys (NM_001165412.2, NM_001319226.2, NM_001382627.1); c.2650G>A, p.Glu884Lys (NM_001382625.1, NM_001382626.1); c.2608G>A, p.Glu870Lys (NM_001382628.1); short protein forms E870K, E883K, E884K.
Identifiers: ClinVar variation 1962364 (VCV001962364.5), dbSNP rs748249744, ClinGen allele CA3026496.